The following is an entry in ClinVar:

ClinVar aggregate classification (germline): Uncertain significance (1 of 4 stars; one submission).

Submission:

GeneDx
Classification: Uncertain significance. Last evaluated: 2019-10-07. Review status: criteria provided, single submitter. Criteria: GeneDx Variant Classification Process June 2021. Collection method: clinical testing. Allele origin: germline. Affected: yes.
Comment: Not observed in large population cohorts (Lek et al., 2016); In silico analysis, which includes protein predictors and evolutionary conservation, supports that this variant does not alter protein structure/function; Has not been previously published as pathogenic or benign to our knowledge

NM_001386298.1(CIC):c.4084A>T (p.Ile1362Phe)

Gene: CIC (capicua transcriptional repressor; plus strand). Cytogenetic location: 19q13.2.
Variant type: single nucleotide variant.
Coding change: c.4084A>T on transcript NM_001386298.1 (MANE Select); coding-DNA position 4084, A replaced by T.
Protein change: p.Ile1362Phe; replaces isoleucine 1362 with phenylalanine.
Molecular consequence: missense variant.
Genome position (GRCh38, 1-based): chr19:42,289,403, A>T. VCF-style: chr19-42289403-A-T. GRCh37 (hg19) VCF-style: chr19-42793555-A-T.
Other names: c.4084A>T, p.Ile1362Phe (NM_001304815.2, NM_001379480.1, NM_001379482.1); c.1357A>T, p.Ile453Phe (NM_001379484.1, NM_001379485.1, NM_015125.5); short protein forms I1362F, I453F.
Identifiers: ClinVar variation 1308784 (VCV001308784.2), dbSNP rs2147235741, ClinGen allele CA406103051.